The following is an entry in ClinVar:

ClinVar aggregate classification (germline): Uncertain significance (1 of 4 stars; one submission).

Conditions:
Wilson disease (WND). Also called: Wilson's disease. Identifiers: Orphanet 905, MedGen C0019202, MONDO:0010200, OMIM 277900. Disease mechanism: loss of function.

Allele frequency attached by ClinVar (database versions not stated): TOPMed below 0.00001.

Submission:

Labcorp Genetics (formerly Invitae), Labcorp
Classification: Uncertain significance for Wilson disease. Last evaluated: 2022-02-22. Review status: criteria provided, single submitter. Criteria: Invitae Variant Classification Sherloc (09022015). Collection method: clinical testing. Allele origin: germline.
Comment: This sequence change replaces alanine, which is neutral and non-polar, with valine, which is neutral and non-polar, at codon 476 of the ATP7B protein (p.Ala476Val). This variant is not present in population databases (gnomAD no frequency). This variant has not been reported in the literature in individuals affected with ATP7B-related conditions. ClinVar contains an entry for this variant (Variation ID: 962033). Advanced modeling of protein sequence and biophysical properties (such as structural, functional, and spatial information, amino acid conservation, physicochemical variation, residue mobility, and thermodynamic stability) performed at Invitae indicates that this missense variant is not expected to disrupt ATP7B protein function. Algorithms developed to predict the effect of sequence changes on RNA splicing suggest that this variant may create or strengthen a splice site. In summary, the available evidence is currently insufficient to determine the role of this variant in disease. Therefore, it has been classified as a Variant of Uncertain Significance.

NM_000053.4(ATP7B):c.1427C>T (p.Ala476Val)

Gene: ATP7B (ATPase copper transporting beta; minus strand). Cytogenetic location: 13q14.3.
Variant type: single nucleotide variant.
Coding change: c.1427C>T on transcript NM_000053.4 (MANE Select); coding-DNA position 1427, C replaced by T.
Protein change: p.Ala476Val; replaces alanine 476 with valine.
Molecular consequence: missense variant.
Genome position (GRCh38, 1-based): chr13:51,970,608, G>A on the plus strand (C>T on the coding strand, the complement: ATP7B is on the minus strand). VCF-style: chr13-51970608-G-A. GRCh37 (hg19) VCF-style: chr13-52544744-G-A.
Other names: c.1427C>T, p.Ala476Val (NM_001005918.3, NM_001330578.2, NM_001330579.2); c.1094C>T, p.Ala365Val (NM_001243182.2); short protein forms A365V, A476V.
Identifiers: ClinVar variation 962033 (VCV000962033.3), dbSNP rs1194712970, ClinGen allele CA388035654.